The following is an entry in ClinVar:

ClinVar aggregate classification (germline): Pathogenic (1 of 4 stars; one submission).

Conditions:
Megacolon. Identifiers: MedGen C0025160, MONDO:0001273, HP:6000852.

Submission:

Clinical Genetics Laboratory, Skane University Hospital Lund
Classification: Pathogenic for Megacolon. Last evaluated: 2024-08-26. Review status: criteria provided, single submitter. Criteria: ACMG Guidelines, 2015. Collection method: clinical testing. Allele origin: de novo. Inheritance: Autosomal dominant inheritance. Affected: yes.
Comment: PVS1, PS2, PM2

NM_014795.4(ZEB2):c.1664del (p.Lys555fs)

Gene: ZEB2 (zinc finger E-box binding homeobox 2; minus strand). Cytogenetic location: 2q22.3.
Variant type: Deletion.
Coding change: c.1664del on transcript NM_014795.4 (MANE Select); coding-DNA position 1664, one base deleted (A; older notation c.1664delA).
Protein change: p.Lys555fs; shifts the reading frame from lysine 555.
Molecular consequence: frameshift variant.
Genome position (GRCh38, 1-based): chr2:144,399,523, T deleted on the plus strand (A on the coding strand, the reverse complement: ZEB2 is on the minus strand); the first of 3 consecutive T bases (chr2:144,399,523-144,399,525); deleting any one gives the same sequence. VCF-style (leftmost placement, unchanged base first): chr2-144399522-CT-C. GRCh37 (hg19) VCF-style: chr2-145157089-CT-C.
Other names: c.1592del, p.Lys531fs (NM_001171653.2); short protein forms K531fs, K555fs.
Identifiers: ClinVar variation 3769606 (VCV003769606.1).